The following is an entry in ClinVar:

ClinVar aggregate classification (germline): Uncertain significance (1 of 4 stars; one submission).

Conditions:
Primary ciliary dyskinesia. Also called: Ciliary dyskinesia. Identifiers: Orphanet 244, MedGen C0008780, MONDO:0016575, HP:0012265.

Submission:

Labcorp Genetics (formerly Invitae), Labcorp
Classification: Uncertain significance for Primary ciliary dyskinesia. Last evaluated: 2022-06-01. Review status: criteria provided, single submitter. Criteria: Invitae Variant Classification Sherloc (09022015). Collection method: clinical testing. Allele origin: germline.
Comment: In summary, the available evidence is currently insufficient to determine the role of this variant in disease. Therefore, it has been classified as a Variant of Uncertain Significance. Advanced modeling of protein sequence and biophysical properties (such as structural, functional, and spatial information, amino acid conservation, physicochemical variation, residue mobility, and thermodynamic stability) performed at Invitae indicates that this missense variant is not expected to disrupt DNAH11 protein function. This variant has not been reported in the literature in individuals affected with DNAH11-related conditions. This variant is not present in population databases (gnomAD no frequency). This sequence change replaces asparagine, which is neutral and polar, with lysine, which is basic and polar, at codon 3589 of the DNAH11 protein (p.Asn3589Lys).

NM_001277115.2(DNAH11):c.10767T>A (p.Asn3589Lys)

Gene: DNAH11 (dynein axonemal heavy chain 11; plus strand). Cytogenetic location: 7p15.3.
Variant type: single nucleotide variant.
Coding change: c.10767T>A on transcript NM_001277115.2 (MANE Select); coding-DNA position 10767, T replaced by A.
Protein change: p.Asn3589Lys; replaces asparagine 3589 with lysine.
Molecular consequence: missense variant.
Genome position (GRCh38, 1-based): chr7:21,842,619, T>A. VCF-style: chr7-21842619-T-A. GRCh37 (hg19) VCF-style: chr7-21882237-T-A.
Other names: c.10788T>A, p.Asn3596Lys (NM_003777.3); short protein forms N3596K, N3589K.
Identifiers: ClinVar variation 2174242 (VCV002174242.4), dbSNP rs2535433868, ClinGen allele CA366956744.
Genomic context (GRCh38, chr7:21,842,619, plus strand): 5'-AGATAAAGAATGTGAATTTAACAAGAACTTTCGCCTTATCCTTCACACAAAATTGGCAAA[T>A]CCTCACTATAAGCCGGAATTACAAGCTCAGACAACTCTCCTCAATTTCACAGTCACAGAA-3'
Protein context (NP_001264044.1, residues 3579-3599): FRLILHTKLA[Asn3589Lys]PHYKPELQAQ